The following is an entry in ClinVar:

NM_001113378.2(FANCI):c.1112+3A>G

Gene: FANCI (FA complementation group I; plus strand). Cytogenetic location: 15q26.1.
Variant type: single nucleotide variant.
Coding change: c.1112+3A>G on transcript NM_001113378.2 (MANE Select); 3 bases into the intron after coding-DNA position 1112, A replaced by G.
Molecular consequence: intron variant.
Genome position (GRCh38, 1-based): chr15:89,274,307, A>G. VCF-style: chr15-89274307-A-G. GRCh37 (hg19) VCF-style: chr15-89817538-A-G.
Other names: c.1112+3A>G (NM_018193.3, NM_001376911.1); c.833+3A>G (NM_001376910.1).
Identifiers: ClinVar variation 408255 (VCV000408255.8), dbSNP rs367970067, ClinGen allele CA7722916.

ClinVar aggregate classification (germline): Uncertain significance. Review status: criteria provided, multiple submitters, no conflicts (2 of 4 stars). 2 submissions from 2 submitters: Uncertain significance (2). Last evaluated 2026-04-14.

Conditions:
Fanconi anemia (FA). Also called: Fanconi's anemia. Identifiers: Orphanet 84, MedGen C0015625, MeSH D005199, MONDO:0019391.

Allele frequency attached by ClinVar (database versions not stated): gnomAD exomes 0.00001; ExAC 0.00002; gnomAD 0.00005 and 0.00006; TOPMed 0.00006; ESP Exome Variant Server 0.00008.
gnomAD v4.1: 17 of 1,613,258 alleles (0.0011%); highest among the groups gnomAD compares: African/African-American, 0.02%; no homozygotes.

Submissions (2):

Women's Health and Genetics/Laboratory Corporation of America, LabCorp
Classification: Uncertain significance. Last evaluated: 2026-04-14. Review status: criteria provided, single submitter. Criteria: LabCorp Variant Classification Summary - May 2015. Collection method: clinical testing. Allele origin: germline.

Labcorp Genetics (formerly Invitae), Labcorp
Classification: Uncertain significance for Fanconi anemia. Last evaluated: 2024-10-29. Review status: criteria provided, single submitter. Criteria: Invitae Variant Classification Sherloc (09022015). Collection method: clinical testing. Allele origin: germline.
Comment: This sequence change falls in intron 12 of the FANCI gene. It does not directly change the encoded amino acid sequence of the FANCI protein. It affects a nucleotide within the consensus splice site. This variant is present in population databases (rs367970067, gnomAD 0.01%). This variant has not been reported in the literature in individuals affected with FANCI-related conditions. ClinVar contains an entry for this variant (Variation ID: 408255). Variants that disrupt the consensus splice site are a relatively common cause of aberrant splicing (PMID: 17576681, 9536098). Algorithms developed to predict the effect of sequence changes on RNA splicing suggest that this variant is not likely to affect RNA splicing. In summary, the available evidence is currently insufficient to determine the role of this variant in disease. Therefore, it has been classified as a Variant of Uncertain Significance.

Literature cited by the submitters: PubMed 17576681 (cited by Labcorp Genetics (formerly Invitae), Labcorp); PubMed 9536098 (cited by Labcorp Genetics (formerly Invitae), Labcorp).